The following is an entry in ClinVar:

NM_144997.7(FLCN):c.871+8del

Gene: FLCN (folliculin; minus strand). Cytogenetic location: 17p11.2.
Variant type: Deletion.
Coding change: c.871+8del on transcript NM_144997.7 (MANE Select); 8 bases into the intron after coding-DNA position 871, one base deleted (A; older notation c.871+8delA).
Molecular consequence: intron variant. On other transcripts: frameshift variant (1).
Genome position (GRCh38, 1-based): chr17:17,221,529, T deleted on the plus strand (A on the coding strand, the reverse complement: FLCN is on the minus strand). VCF-style (leftmost placement, unchanged base first): chr17-17221528-CT-C. GRCh37 (hg19) VCF-style: chr17-17124842-CT-C.
Other names: c.879del, p.Val295fs (NM_144606.7); c.871+8del (NM_001353231.2, NM_001353230.2); c.925+8del (NM_001353229.2); short protein forms V295fs.
Identifiers: ClinVar variation 1567886 (VCV001567886.11), dbSNP rs2144930688, ClinGen allele CA2573153097.

ClinVar aggregate classification (germline): Likely benign. Review status: criteria provided, multiple submitters, no conflicts (2 of 4 stars). 2 submissions from 2 submitters: Likely benign (2). Last evaluated 2025-06-22.

Conditions:
Birt-Hogg-Dube syndrome. Also called: Birt Hogg Dubé syndrome. Identifiers: Orphanet 122, MedGen C0346010, MONDO:0800444.
Birt-Hogg-Dube syndrome 1 (BHD1). Also called: FIBROFOLLICULOMAS WITH TRICHODISCOMAS AND ACROCHORDONS. Identifiers: Orphanet 122, MedGen CN375946, MONDO:0800445, OMIM 135150.

Submissions (2):

Labcorp Genetics (formerly Invitae), Labcorp
Classification: Likely benign for Birt-Hogg-Dube syndrome. Last evaluated: 2025-06-22. Review status: criteria provided, single submitter. Criteria: Invitae Variant Classification Sherloc (09022015). Collection method: clinical testing. Allele origin: germline.

Myriad Genetics, Inc.
Classification: Likely benign for Birt-Hogg-Dube syndrome 1. Last evaluated: 2024-10-23. Review status: criteria provided, single submitter. Criteria: Myriad Autosomal Dominant, Autosomal Recessive and X-Linked Classification Criteria (2023). Collection method: clinical testing. Allele origin: unknown.
Comment: This variant is considered likely benign. This variant is intronic and is not expected to impact mRNA splicing.